The following is an entry in ClinVar:

NM_018928.3(PCDHGC4):c.2796G>A (p.Ser932=)

Genes: PCDHG@ (protocadherin gamma cluster; plus strand), PCDHGA1 (protocadherin gamma subfamily A, 1; plus strand), PCDHGA10 (protocadherin gamma subfamily A, 10; plus strand), PCDHGA11 (protocadherin gamma subfamily A, 11; plus strand), PCDHGA12 (protocadherin gamma subfamily A, 12; plus strand) and 18 more. Cytogenetic location: 5q31.3.
Variant type: single nucleotide variant.
Coding change: c.2796G>A on transcript NM_018928.3 (MANE Select); coding-DNA position 2796, G replaced by A.
Protein change: p.Ser932=; no amino-acid change (serine 932 retained).
Molecular consequence: synonymous variant.
Genome position (GRCh38, 1-based): chr5:141,511,152, G>A. VCF-style: chr5-141511152-G-A. GRCh37 (hg19) VCF-style: chr5-140890719-G-A.
Other names: c.2778G>A, p.Ser926= (NM_003735.3, NM_018921.3, NM_018920.4 and 4 more transcripts); c.2784G>A, p.Ser928= (NM_002588.4); c.384G>A, p.Ser128= (NM_032403.3); c.2814G>A, p.Ser938= (NM_018929.3); c.366G>A, p.Ser122= (NM_001386884.1); c.2769G>A, p.Ser923= (NM_018927.4, NM_018924.5); c.2772G>A, p.Ser924= (NM_018926.3); c.2751G>A, p.Ser917= (NM_018925.3, NM_003736.4); and 6 more.
Identifiers: ClinVar variation 4982223 (VCV004982223.1).
Genomic context (GRCh38, chr5:141,511,152, plus strand): 5'-CGCAGCTGGCAAGCGGGATGGCAAGGCCCCAGCAGGTGGCAATGGCAACAAGAAGAAGTC[G>A]GGCAAGAAGGAGAAGAAGTAACATGGAGGCCAGGCCAAGAGCCACAGGGCGGCCTCTCCC-3'
Protein context (NP_061751.1, residues 922-938): PAGGNGNKKK[Ser932=]GKKEKK

ClinVar aggregate classification (germline): Likely benign (1 of 4 stars; one submission).

Conditions:
PCDHGC4-related disorder. Also called: PCDHGC4-related condition.

gnomAD v4.1: 32 of 1,614,022 alleles (0.002%); highest among the groups gnomAD compares: South Asian, 0.0044%; no homozygotes.

Submission:

PreventionGenetics, part of Exact Sciences
Classification: Likely benign for PCDHGC4-related condition. Last evaluated: 2025-01-25. Review status: criteria provided, single submitter. Criteria: ACMG Guidelines, 2015. Collection method: clinical testing. Allele origin: germline.
Comment: This variant is classified as likely benign based on ACMG/AMP sequence variant interpretation guidelines (Richards et al. 2015 PMID: 25741868, with internal and published modifications).